The following is an entry in ClinVar:

NM_000929.3(PLA2G5):c.223GAG[1] (p.Glu76del)

Gene: PLA2G5 (phospholipase A2 group V; plus strand). Cytogenetic location: 1p36.13.
Variant type: Microsatellite.
Coding change: c.223GAG[1] on transcript NM_000929.3 (MANE Select); one copy of the 3-base unit GAG starting at c.223; the reference has two copies in a row; one copy, 3 bases deleted.
Protein change: p.Glu76del; deletes glutamic acid 76.
Molecular consequence: inframe deletion.
Genome position (GRCh38, 1-based): chr1:20,089,829-20,089,831, GAG deleted; deleting any 3 consecutive bases within chr1:20,089,825-20,089,831 gives the same sequence; the position shown is the placement nearest the transcript's 3' end. VCF-style (leftmost placement, unchanged base first): chr1-20089824-TGGA-T. GRCh37 (hg19) VCF-style: chr1-20416317-TGGA-T.
Other names: short protein forms E76del.
Identifiers: ClinVar variation 845737 (VCV000845737.8), dbSNP rs546612019, ClinGen allele CA658223.

ClinVar aggregate classification (germline): Conflicting classifications of pathogenicity. Review status: criteria provided, conflicting classifications (1 of 4 stars). 2 submissions from 2 submitters: Uncertain significance (1); Likely benign (1). Last evaluated 2025-05-13.

Submissions (2):

Labcorp Genetics (formerly Invitae), Labcorp
Classification: Uncertain significance. Last evaluated: 2025-05-13. Review status: criteria provided, single submitter. Criteria: Invitae Variant Classification Sherloc (09022015). Collection method: clinical testing. Allele origin: germline.
Comment: This variant, c.226_228del, results in the deletion of 1 amino acid(s) of the PLA2G5 protein (p.Glu76del), but otherwise preserves the integrity of the reading frame. This variant is present in population databases (rs546612019, gnomAD 0.1%), and has an allele count higher than expected for a pathogenic variant. This variant has not been reported in the literature in individuals affected with PLA2G5-related conditions. ClinVar contains an entry for this variant (Variation ID: 845737). Experimental studies and prediction algorithms are not available or were not evaluated, and the functional significance of this variant is currently unknown. In summary, the available evidence is currently insufficient to determine the role of this variant in disease. Therefore, it has been classified as a Variant of Uncertain Significance.

Blueprint Genetics
Classification: Likely benign. Last evaluated: 2021-08-13. Review status: criteria provided, single submitter. Criteria: ACMG Guidelines, 2015. Collection method: clinical testing. Allele origin: germline.